The following is an entry in ClinVar:

ClinVar aggregate classification (germline): Uncertain significance (1 of 4 stars; one submission).

Submission:

Labcorp Genetics (formerly Invitae), Labcorp
Classification: Uncertain significance. Last evaluated: 2025-12-01. Review status: criteria provided, single submitter. Criteria: Invitae Variant Classification Sherloc (09022015). Collection method: clinical testing. Allele origin: germline.
Comment: This sequence change replaces tyrosine, which is neutral and polar, with histidine, which is basic and polar, at codon 387 of the RIPK1 protein (p.Tyr387His). This variant is not present in population databases (gnomAD no frequency). This variant has not been reported in the literature in individuals affected with RIPK1-related conditions. An algorithm developed to predict the effect of missense changes on protein structure and function outputs the following: PolyPhen-2: "Benign". The histidine amino acid residue is found in multiple mammalian species, which suggests that this missense change does not adversely affect protein function. In summary, the available evidence is currently insufficient to determine the role of this variant in disease. Therefore, it has been classified as a Variant of Uncertain Significance.

NM_001354930.2(RIPK1):c.1159T>C (p.Tyr387His)

Gene: RIPK1 (receptor interacting serine/threonine kinase 1; plus strand). Cytogenetic location: 6p25.2.
Variant type: single nucleotide variant.
Coding change: c.1159T>C on transcript NM_001354930.2 (MANE Select); coding-DNA position 1159, T replaced by C.
Protein change: p.Tyr387His; replaces tyrosine 387 with histidine.
Molecular consequence: missense variant.
Genome position (GRCh38, 1-based): chr6:3,105,634, T>C. VCF-style: chr6-3105634-T-C. GRCh37 (hg19) VCF-style: chr6-3105868-T-C.
Other names: c.670T>C, p.Tyr224His (NM_001317061.3, NM_001354932.2, NM_001354933.2 and 1 more transcripts); c.1021T>C, p.Tyr341His (NM_001354931.2); c.1159T>C, p.Tyr387His (NM_003804.6); short protein forms Y224H, Y341H, Y387H.
Identifiers: ClinVar variation 4732323 (VCV004732323.1).